The following is an entry in ClinVar:

ClinVar aggregate classification (germline): Likely pathogenic (1 of 4 stars; one submission).

Conditions:
Autosomal recessive limb-girdle muscular dystrophy type 2J (LGMDR10). Also called: MUSCULAR DYSTROPHY, LIMB-GIRDLE, AUTOSOMAL RECESSIVE 10; Limb-girdle muscular dystrophy, type 2J. Identifiers: Orphanet 140922, MedGen C1837342, MONDO:0012127, OMIM 608807.
Dilated cardiomyopathy 1G (CMD1G). Identifiers: Orphanet 154, MedGen C1858763, MONDO:0011400, OMIM 604145.

Submission:

Labcorp Genetics (formerly Invitae), Labcorp
Classification: Likely pathogenic for Dilated cardiomyopathy 1G; Autosomal recessive limb-girdle muscular dystrophy type 2J. Last evaluated: 2024-10-18. Review status: criteria provided, single submitter. Criteria: Invitae Variant Classification Sherloc (09022015). Collection method: clinical testing. Allele origin: germline.
Comment: This sequence change affects a donor splice site in intron 228 of the TTN gene. It is expected to disrupt RNA splicing and likely results in a truncated or disrupted TTN protein. This variant is not present in population databases (gnomAD no frequency). This variant has not been reported in the literature in individuals affected with TTN-related conditions. ClinVar contains an entry for this variant (Variation ID: 1059014). Algorithms developed to predict the effect of sequence changes on RNA splicing suggest that this variant may disrupt the consensus splice site. This variant is located in the I band of TTN (PMID: 25589632). Truncating variants in this region have been reported in individuals affected with autosomal recessive centronuclear myopathy (PMID: 23975875, internal data). Truncating variants in this region have also been identified in individuals affected with autosomal dominant dilated cardiomyopathy and/or cardio-related conditions (PMID: 27869827, 32964742, internal data). In summary, the currently available evidence indicates that the variant is pathogenic, but additional data are needed to prove that conclusively. Therefore, this variant has been classified as Likely Pathogenic.

Literature cited by the submitters: PubMed 25589632; PubMed 23975875; PubMed 27869827; PubMed 32964742.

NM_001267550.2(TTN):c.42024+1G>C

Gene: TTN (titin; minus strand). Cytogenetic location: 2q31.2.
Variant type: single nucleotide variant.
Coding change: c.42024+1G>C on transcript NM_001267550.2 (MANE Select); the canonical splice donor site of the intron after coding-DNA position 42024, G replaced by C.
Molecular consequence: splice donor variant.
Genome position (GRCh38, 1-based): chr2:178,635,164, C>G on the plus strand (G>C on the coding strand, the complement: TTN is on the minus strand). VCF-style: chr2-178635164-C-G. GRCh37 (hg19) VCF-style: chr2-179499891-C-G.
Other names: c.14829+1G>C (NM_003319.4); c.15405+1G>C (NM_133437.4); c.15204+1G>C (NM_133432.3); c.34320+1G>C (NM_133378.4); c.37101+1G>C (NM_001256850.1).
Identifiers: ClinVar variation 1059014 (VCV001059014.9), dbSNP rs2154228980, ClinGen allele CA349656200.
Genomic context (GRCh38, chr2:178,635,164, plus strand): 5'-TCCTGAATATTGGATGTGGTTATTTTATATGACTAACAATTTAAAATGTGAAATTACTCA[C>G]AGGTGAGGGCCTTAGAAGTTCTCCTTTCAGTTTCCATTGTCCAGGAATGTCTGCCTCTGA-3'